The following is an entry in ClinVar:

ClinVar aggregate classification (germline): Uncertain significance (1 of 4 stars; one submission).

Submission:

Ambry Genetics
Classification: Uncertain significance. Last evaluated: 2026-08-18. Review status: criteria provided, single submitter. Criteria: Ambry Variant Classification Scheme 2023. Collection method: clinical testing. Allele origin: germline.
Comment: The p.L642F variant (also known as c.1926G>T), located in coding exon 8 of the RNF43 gene, results from a G to T substitution at nucleotide position 1926. The leucine at codon 642 is replaced by phenylalanine, an amino acid with highly similar properties. This amino acid position is conserved. In addition, this alteration is predicted to be tolerated by in silico analysis. Based on the available evidence, the clinical significance of this variant remains unclear.

NM_017763.6(RNF43):c.1926G>T (p.Leu642Phe)

Gene: RNF43 (ring finger protein 43; minus strand). Cytogenetic location: 17q22.
Variant type: single nucleotide variant.
Coding change: c.1926G>T on transcript NM_017763.6 (MANE Select); coding-DNA position 1926, G replaced by T.
Protein change: p.Leu642Phe; replaces leucine 642 with phenylalanine.
Molecular consequence: missense variant.
Genome position (GRCh38, 1-based): chr17:58,357,850, C>A on the plus strand (G>T on the coding strand, the complement: RNF43 is on the minus strand). VCF-style: chr17-58357850-C-A. GRCh37 (hg19) VCF-style: chr17-56435211-C-A.
Other names: c.1926G>T, p.Leu642Phe (NM_001305544.3, NM_001438820.1, NM_001438821.1 and 1 more transcripts); c.1545G>T, p.Leu515Phe (NM_001305545.2, NM_001437987.1); short protein forms L515F, L642F.
Identifiers: ClinVar variation 5028349 (VCV005028349.1).
Genomic context (GRCh38, chr17:58,357,850, plus strand): 5'-CTCGGAGGGACCCCCCCGCCTTTTCCTCTGTGGGTGTCGGGCAGAGAGGCTGGATTTTTG[C>A]AAGTTGAACAGACTGCTGGTACTGGGGCAGATGCTGGAGGCGTCAACTGGGCCAGGGGCT-3'
Protein context (NP_060233.3, residues 632-652): ICPSTSSLFN[Leu642Phe]QKSSLSARHP